The following is an entry in ClinVar:

ClinVar aggregate classification (germline): Uncertain significance (1 of 4 stars; one submission).

Conditions:
Hereditary cancer-predisposing syndrome. Also called: Neoplastic Syndromes, Hereditary; Tumor predisposition; Hereditary neoplastic syndrome; Hereditary Cancer Syndrome. Identifiers: Orphanet 140162, MedGen C0027672, MeSH D009386, MONDO:0015356.

Submission:

Ambry Genetics
Classification: Uncertain significance for Hereditary cancer-predisposing syndrome. Last evaluated: 2023-12-23. Review status: criteria provided, single submitter. Criteria: Ambry Variant Classification Scheme 2023. Collection method: clinical testing. Allele origin: germline.
Comment: The p.P1077L variant (also known as c.3230C>T), located in coding exon 12 of the PALB2 gene, results from a C to T substitution at nucleotide position 3230. The proline at codon 1077 is replaced by leucine, an amino acid with similar properties. This amino acid position is conserved. In addition, this alteration is predicted to be tolerated by in silico analysis. Since supporting evidence is limited at this time, the clinical significance of this alteration remains unclear.

NM_024675.4(PALB2):c.3230C>T (p.Pro1077Leu)

Gene: PALB2 (partner and localizer of BRCA2; minus strand). Cytogenetic location: 16p12.2.
Variant type: single nucleotide variant.
Coding change: c.3230C>T on transcript NM_024675.4 (MANE Select); coding-DNA position 3230, C replaced by T.
Protein change: p.Pro1077Leu; replaces proline 1077 with leucine.
Molecular consequence: missense variant. On other transcripts: intron variant (8).
Genome position (GRCh38, 1-based): chr16:23,607,984, G>A on the plus strand (C>T on the coding strand, the complement: PALB2 is on the minus strand). VCF-style: chr16-23607984-G-A. GRCh37 (hg19) VCF-style: chr16-23619305-G-A.
Other names: c.3170C>T, p.Pro1057Leu (NM_001407296.1); c.3158C>T, p.Pro1053Leu (NM_001407297.1); c.3068C>T, p.Pro1023Leu (NM_001407298.1); c.2951C>T, p.Pro984Leu (NM_001407300.1); c.2345C>T, p.Pro782Leu (NM_001407304.1, NM_001407305.1, NM_001407306.1); c.2183C>T, p.Pro728Leu (NM_001407307.1); c.1442C>T, p.Pro481Leu (NM_001407312.1); c.764C>T, p.Pro255Leu (NM_001407314.1); and 6 more; short protein forms P1023L, P1053L, P1057L, P1077L, P255L, P481L, P728L, P782L.
Identifiers: ClinVar variation 3228028 (VCV003228028.1), dbSNP rs2142273874, ClinGen allele CA395139988.